The following is an entry in ClinVar:

NM_014889.4(PITRM1):c.1351A>G (p.Ile451Val)

Gene: PITRM1 (pitrilysin metallopeptidase 1; minus strand). Cytogenetic location: 10p15.2.
Variant type: single nucleotide variant.
Coding change: c.1351A>G on transcript NM_014889.4 (MANE Select); coding-DNA position 1351, A replaced by G.
Protein change: p.Ile451Val; replaces isoleucine 451 with valine.
Molecular consequence: missense variant. On other transcripts: non-coding transcript variant (4).
Genome position (GRCh38, 1-based): chr10:3,157,061, T>C on the plus strand (A>G on the coding strand, the complement: PITRM1 is on the minus strand). VCF-style: chr10-3157061-T-C. GRCh37 (hg19) VCF-style: chr10-3199253-T-C.
Other names: c.1351A>G, p.Ile451Val (NM_001242307.2, NM_001347725.2); c.1255A>G, p.Ile419Val (NM_001242309.1); c.736A>G, p.Ile246Val (NM_001347726.2, NM_001347727.2); c.46A>G, p.Ile16Val (NM_001347728.2); c.1327A>G, p.Ile443Val (NM_001347729.1, NM_001347730.1); c.1351A>G (NM_001242307.1); short protein forms I16V, I451V, I419V, I443V, I246V.
Identifiers: ClinVar variation 1483393 (VCV001483393.7), dbSNP rs368922913, ClinGen allele CA5387827.

ClinVar aggregate classification (germline): Uncertain significance. Review status: criteria provided, multiple submitters, no conflicts (2 of 4 stars). 2 submissions from 2 submitters: Uncertain significance (2). Last evaluated 2025-02-25.

Allele frequency attached by ClinVar (database versions not stated): gnomAD exomes 0.00005 and 0.00008; gnomAD 0.00009 and 0.00010; TOPMed 0.00012; ExAC 0.00015; ESP Exome Variant Server 0.00017.
gnomAD v4.1: 90 of 1,604,920 alleles (0.0056%); highest among the groups gnomAD compares: Middle Eastern, 0.033%; no homozygotes.

Submissions (2):

Ambry Genetics
Classification: Uncertain significance. Last evaluated: 2025-02-25. Review status: criteria provided, single submitter. Criteria: Ambry Variant Classification Scheme 2023. Collection method: clinical testing. Allele origin: germline.

Labcorp Genetics (formerly Invitae), Labcorp
Classification: Uncertain significance. Last evaluated: 2021-09-24. Review status: criteria provided, single submitter. Criteria: Invitae Variant Classification Sherloc (09022015). Collection method: clinical testing. Allele origin: germline.
Comment: This sequence change replaces isoleucine with valine at codon 419 of the PITRM1 protein (p.Ile419Val). The isoleucine residue is moderately conserved and there is a small physicochemical difference between isoleucine and valine. This variant is present in population databases (rs368922913, ExAC 0.04%). This variant has not been reported in the literature in individuals with PITRM1-related conditions. Algorithms developed to predict the effect of missense changes on protein structure and function output the following: SIFT: "Tolerated"; PolyPhen-2: "Benign"; Align-GVGD: "Class C0". The valine amino acid residue is found in multiple mammalian species, suggesting that this missense change does not adversely affect protein function. These predictions have not been confirmed by published functional studies and their clinical significance is uncertain. In summary, the available evidence is currently insufficient to determine the role of this variant in disease. Therefore, it has been classified as a Variant of Uncertain Significance.